The following is an entry in ClinVar:

ClinVar aggregate classification (germline): Uncertain significance (1 of 4 stars; one submission).

Conditions:
Leber congenital amaurosis 9 (LCA9). Also called: LCA 9; Amaurosis congenita of Leber, type 9; LCA9 Leber Congenital Amaurosis. Identifiers: Orphanet 65, MedGen C1837873, MONDO:0012056, OMIM 608553.

Submission:

3billion
Classification: Uncertain significance for Leber congenital amaurosis 9. Last evaluated: 2025-08-13. Review status: criteria provided, single submitter. Criteria: ACMG Guidelines, 2015. Collection method: clinical testing. Allele origin: germline. Affected: yes.
Comment: The variant is not observed in the gnomAD v4.1.0 dataset. Predicted Consequence/Location: Missense variant In silico tool predictions suggest damaging effect of the variant on gene or gene product [REVEL: 0.74 (>=0.6, sensitivity 0.68 and specificity 0.92); SpliceAI: 0.92 (spliceogenicity >=0.2, non-spliceogenicity <0.1)]. Different missense changes at the same codon have been reported as of uncertain significance (ClinVar ID: VCV000949997). Therefore, this variant is classified as VUS according to the recommendation of ACMG/AMP guideline.

NM_022787.4(NMNAT1):c.299G>C (p.Arg100Thr)

Gene: NMNAT1 (nicotinamide nucleotide adenylyltransferase 1; plus strand). Cytogenetic location: 1p36.22.
Variant type: single nucleotide variant.
Coding change: c.299G>C on transcript NM_022787.4 (MANE Select); coding-DNA position 299, G replaced by C.
Protein change: p.Arg100Thr; replaces arginine 100 with threonine.
Molecular consequence: missense variant.
Genome position (GRCh38, 1-based): chr1:9,975,775, G>C. VCF-style: chr1-9975775-G-C. GRCh37 (hg19) VCF-style: chr1-10035833-G-C.
Other names: c.299G>C, p.Arg100Thr (NM_001297778.1, NM_001297779.2); short protein forms R100T.
Identifiers: ClinVar variation 4854735 (VCV004854735.1).